The following is an entry in ClinVar:

ClinVar aggregate classification (germline): Conflicting classifications of pathogenicity. Review status: criteria provided, conflicting classifications (1 of 4 stars). 3 submissions from 3 submitters: Uncertain significance (2); Likely benign (1). Last evaluated 2025-09-05.

Conditions:
Inborn genetic diseases. Identifiers: MedGen C0950123, MeSH D030342.

Allele frequency attached by ClinVar (database versions not stated): gnomAD 0.00005; gnomAD exomes 0.00006 and 0.00009; TOPMed 0.00009; ExAC 0.00022.
gnomAD v4.1: 86 of 1,592,790 alleles (0.0054%); highest among the groups gnomAD compares: South Asian, 0.015%; no homozygotes.

Submissions (3):

Ambry Genetics
Classification: Uncertain significance for Inborn genetic diseases. Last evaluated: 2025-09-05. Review status: criteria provided, single submitter. Criteria: Ambry Variant Classification Scheme 2023. Collection method: clinical testing. Allele origin: germline.

Labcorp Genetics (formerly Invitae), Labcorp
Classification: Uncertain significance. Last evaluated: 2025-09-05. Review status: criteria provided, single submitter. Criteria: Invitae Variant Classification Sherloc (09022015). Collection method: clinical testing. Allele origin: germline.
Comment: This sequence change replaces arginine, which is basic and polar, with glutamine, which is neutral and polar, at codon 694 of the MYO18B protein (p.Arg694Gln). This variant is present in population databases (rs746689393, gnomAD 0.02%). This variant has not been reported in the literature in individuals affected with MYO18B-related conditions. ClinVar contains an entry for this variant (Variation ID: 1449239). An algorithm developed to predict the effect of missense changes on protein structure and function outputs the following: PolyPhen-2: "Benign". The glutamine amino acid residue is found in multiple mammalian species, which suggests that this missense change does not adversely affect protein function. In summary, the available evidence is currently insufficient to determine the role of this variant in disease. Therefore, it has been classified as a Variant of Uncertain Significance.

Blueprint Genetics
Classification: Likely benign. Last evaluated: 2024-02-21. Review status: criteria provided, single submitter. Criteria: ACMG Guidelines, 2015. Collection method: clinical testing. Allele origin: germline.

NM_032608.7(MYO18B):c.2081G>A (p.Arg694Gln)

Gene: MYO18B (myosin XVIIIB; plus strand). Cytogenetic location: 22q12.1.
Variant type: single nucleotide variant.
Coding change: c.2081G>A on transcript NM_032608.7 (MANE Select); coding-DNA position 2081, G replaced by A.
Protein change: p.Arg694Gln; replaces arginine 694 with glutamine.
Molecular consequence: missense variant.
Genome position (GRCh38, 1-based): chr22:25,780,068, G>A. VCF-style: chr22-25780068-G-A. GRCh37 (hg19) VCF-style: chr22-26176035-G-A.
Other names: c.2081G>A, p.Arg694Gln (NM_001318245.2); c.2081G>A (NM_032608.5); short protein forms R694Q.
Identifiers: ClinVar variation 1449239 (VCV001449239.7), dbSNP rs746689393, ClinGen allele CA10160048.